The following is an entry in ClinVar:

ClinVar aggregate classification (germline): Uncertain significance (1 of 4 stars; one submission).

Allele frequency attached by ClinVar (database versions not stated): gnomAD 0.00003; TOPMed 0.00003.
gnomAD v4.1: 13 of 1,551,284 alleles (0.00084%); highest among the groups gnomAD compares: Admixed American, 0.014%; no homozygotes.

Submission:

Labcorp Genetics (formerly Invitae), Labcorp
Classification: Uncertain significance. Last evaluated: 2022-09-27. Review status: criteria provided, single submitter. Criteria: Invitae Variant Classification Sherloc (09022015). Collection method: clinical testing. Allele origin: germline.
Comment: This sequence change replaces valine, which is neutral and non-polar, with isoleucine, which is neutral and non-polar, at codon 1621 of the LOXHD1 protein (p.Val1621Ile). This variant is present in population databases (no rsID available, gnomAD 0.02%). This variant has not been reported in the literature in individuals affected with LOXHD1-related conditions. Algorithms developed to predict the effect of missense changes on protein structure and function (SIFT, PolyPhen-2, Align-GVGD) all suggest that this variant is likely to be tolerated. In summary, the available evidence is currently insufficient to determine the role of this variant in disease. Therefore, it has been classified as a Variant of Uncertain Significance.

NM_001384474.1(LOXHD1):c.4861G>A (p.Val1621Ile)

Gene: LOXHD1 (lipoxygenase homology PLAT domains 1; minus strand). Cytogenetic location: 18q21.1.
Variant type: single nucleotide variant.
Coding change: c.4861G>A on transcript NM_001384474.1 (MANE Select); coding-DNA position 4861, G replaced by A.
Protein change: p.Val1621Ile; replaces valine 1621 with isoleucine.
Molecular consequence: missense variant.
Genome position (GRCh38, 1-based): chr18:46,524,481, C>T on the plus strand (G>A on the coding strand, the complement: LOXHD1 is on the minus strand). VCF-style: chr18-46524481-C-T. GRCh37 (hg19) VCF-style: chr18-44104444-C-T.
Other names: c.1528G>A, p.Val510Ile (NM_001145472.3); c.1240G>A, p.Val414Ile (NM_001308013.2); c.4861G>A, p.Val1621Ile (NM_144612.7); short protein forms V414I, V1621I, V510I.
Identifiers: ClinVar variation 2177763 (VCV002177763.1), dbSNP rs955382829, ClinGen allele CA299801705.